The following is an entry in ClinVar:

ClinVar aggregate classification (germline): Pathogenic. Review status: criteria provided, multiple submitters, no conflicts (2 of 4 stars). 2 submissions from 2 submitters: Pathogenic (2). Last evaluated 2023-07-24.

Conditions:
Hereditary cancer-predisposing syndrome. Also called: Neoplastic Syndromes, Hereditary; Tumor predisposition; Hereditary neoplastic syndrome; Hereditary Cancer Syndrome. Identifiers: Orphanet 140162, MedGen C0027672, MeSH D009386, MONDO:0015356.
Peutz-Jeghers syndrome (PJS). Also called: POLYPOSIS, HAMARTOMATOUS INTESTINAL; POLYPS-AND-SPOTS SYNDROME; Peutz-Jeghers polyposis; Periorificial lentiginosis syndrome. Identifiers: Orphanet 2869, MedGen C0031269, MeSH D010580, MONDO:0008280, OMIM 175200.

Submissions (2):

Ambry Genetics
Classification: Pathogenic for Hereditary cancer-predisposing syndrome. Last evaluated: 2023-07-24. Review status: criteria provided, single submitter. Criteria: Ambry Variant Classification Scheme 2023. Collection method: clinical testing. Allele origin: germline.
Comment: The c.598-1G>A intronic pathogenic mutation results from a G to A substitution one nucleotide upstream from coding exon 5 of the STK11 gene. This alteration was identified amongst a cohort of 54 Chinese patients with a clinical diagnosis of Peutz-Jeghers syndrome (Jiang YL et al. Cancer Genet, 2019 Jan;230:47-57). This alteration has been observed in at least one individual with a personal and/or family history that is consistent with STK11-related disease (Ambry internal data). This variant is considered to be rare based on population cohorts in the Genome Aggregation Database (gnomAD). This nucleotide position is highly conserved in available vertebrate species. In silico splice site analysis predicts that this alteration will weaken the native splice acceptor site and may result in the creation or strengthening of a novel splice acceptor site. In addition to the clinical data presented in the literature, alterations that disrupt the canonical splice site are expected to cause aberrant splicing, resulting in an abnormal protein or a transcript that is subject to nonsense-mediated mRNA decay. Based on the supporting evidence, this alteration is interpreted as a disease-causing mutation.

Labcorp Genetics (formerly Invitae), Labcorp
Classification: Pathogenic for Peutz-Jeghers syndrome. Last evaluated: 2021-04-10. Review status: criteria provided, single submitter. Criteria: Invitae Variant Classification Sherloc (09022015). Collection method: clinical testing. Allele origin: germline.
Comment: For these reasons, this variant has been classified as Pathogenic. Algorithms developed to predict the effect of sequence changes on RNA splicing suggest that this variant may disrupt the consensus splice site, but this prediction has not been confirmed by published transcriptional studies. This variant has been observed in individual(s) with clinical features of Peutz Jeghers syndrome (PMID: 30528796, Invitae). ClinVar contains an entry for this variant (Variation ID: 527837). This variant is not present in population databases (ExAC no frequency). This sequence change affects an acceptor splice site in intron 4 of the STK11 gene. It is expected to disrupt RNA splicing. Variants that disrupt the donor or acceptor splice site typically lead to a loss of protein function (PMID: 16199547), and loss-of-function variants in STK11 are known to be pathogenic (PMID: 15188174, 16287113).

Literature cited by the submitters: PubMed 30528796 (cited by Ambry Genetics and Labcorp Genetics (formerly Invitae), Labcorp); PubMed 16199547 (cited by Labcorp Genetics (formerly Invitae), Labcorp); PubMed 15188174 (cited by Labcorp Genetics (formerly Invitae), Labcorp); PubMed 16287113 (cited by Labcorp Genetics (formerly Invitae), Labcorp).

NM_000455.5(STK11):c.598-1G>A

Gene: STK11 (serine/threonine kinase 11; plus strand). Cytogenetic location: 19p13.3.
Variant type: single nucleotide variant.
Coding change: c.598-1G>A on transcript NM_000455.5 (MANE Select); the canonical splice acceptor site of the intron before coding-DNA position 598, G replaced by A.
Molecular consequence: splice acceptor variant.
Genome position (GRCh38, 1-based): chr19:1,220,580, G>A. VCF-style: chr19-1220580-G-A. GRCh37 (hg19) VCF-style: chr19-1220579-G-A.
Other names: c.598-1G>A (NM_001407255.1).
Identifiers: ClinVar variation 527837 (VCV000527837.11), dbSNP rs1555738319, ClinGen allele CA402949386.